The following is an entry in ClinVar:

ClinVar aggregate classification (germline): Uncertain significance. Review status: criteria provided, multiple submitters, no conflicts (2 of 4 stars). 4 submissions from 4 submitters: Uncertain significance (3). 1 of the submissions does not count toward it. Last evaluated 2026-09-25.

Conditions:
Retinal dystrophy. Also called: Inherited retinal dystrophy. Identifiers: Orphanet 71862, MedGen C0854723, MeSH D058499, MONDO:0019118, HP:0000556.
Retinitis pigmentosa (RP). Identifiers: Orphanet 791, MedGen C0035334, MeSH D012174, MONDO:0019200, OMIM 268000. Inheritance: Autosomal dominant, autosomal recessive and X linked inheritance.
CNGB1-related disorder. Also called: CNGB1-related condition.

Allele frequency attached by ClinVar (database versions not stated): ExAC 0.00002; gnomAD exomes 0.00003 and 0.00006; TOPMed 0.00003; gnomAD 0.00004.
gnomAD v4.1: 85 of 1,614,110 alleles (0.0053%); highest among the groups gnomAD compares: Non-Finnish European, 0.007%; no homozygotes.

Submissions (4):

PreventionGenetics, part of Exact Sciences
Classification: Uncertain significance for CNGB1-related condition. Last evaluated: 2026-09-25. Review status: criteria provided, single submitter. Criteria: ACMG Guidelines, 2015. Collection method: clinical testing. Allele origin: germline.
Comment: The CNGB1 c.965C>T variant is predicted to result in the amino acid substitution p.Thr322Ile. This variant was reported in an individual with retinitis pigmentosa (Table S4, Jespersgaard et al. 2019. PubMed ID: 30718709). This variant is reported in 0.0070% of alleles in individuals of European (Non-Finnish) descent in gnomAD. At this time, the clinical significance of this variant is uncertain due to the absence of conclusive functional and genetic evidence.

Institute of Human Genetics, Univ. Regensburg, Univ. Regensburg
Classification: Uncertain significance for Retinal dystrophy. Last evaluated: 2023-01-01. Review status: criteria provided, single submitter. Criteria: ACMG Guidelines, 2015. Collection method: clinical testing. Allele origin: germline. Affected: yes.

Labcorp Genetics (formerly Invitae), Labcorp
Classification: Uncertain significance. Last evaluated: 2021-05-01. Review status: criteria provided, single submitter. Criteria: Invitae Variant Classification Sherloc (09022015). Collection method: clinical testing. Allele origin: germline.
Comment: In summary, the available evidence is currently insufficient to determine the role of this variant in disease. Therefore, it has been classified as a Variant of Uncertain Significance. Advanced modeling of protein sequence and biophysical properties (such as structural, functional, and spatial information, amino acid conservation, physicochemical variation, residue mobility, and thermodynamic stability) performed at Invitae indicates that this missense variant is not expected to disrupt CNGB1 protein function. This variant has been observed in individual(s) with autosomal recessive retinitis pigmentosa (PMID: 30718709). ClinVar contains an entry for this variant (Variation ID: 636164). This variant is present in population databases (rs757827406, ExAC 0.003%). This sequence change replaces threonine with isoleucine at codon 322 of the CNGB1 protein (p.Thr322Ile). The threonine residue is weakly conserved and there is a moderate physicochemical difference between threonine and isoleucine.

Department of Clinical Genetics, Copenhagen University Hospital, Rigshospitalet
Classification: Uncertain significance for Retinitis pigmentosa. Last evaluated: 2018-04-01. Review status: no assertion criteria provided. Collection method: research. Allele origin: unknown. Affected: yes. Study: VeluxRD. Not counted in ClinVar's aggregate classification.

Literature cited by the submitters: PubMed 30718709 (cited by 3 submitters).

NM_001297.5(CNGB1):c.965C>T (p.Thr322Ile)

Gene: CNGB1 (cyclic nucleotide gated channel subunit beta 1; minus strand). Cytogenetic location: 16q21.
Variant type: single nucleotide variant.
Coding change: c.965C>T on transcript NM_001297.5 (MANE Select); coding-DNA position 965, C replaced by T.
Protein change: p.Thr322Ile; replaces threonine 322 with isoleucine.
Molecular consequence: missense variant.
Genome position (GRCh38, 1-based): chr16:57,950,450, G>A on the plus strand (C>T on the coding strand, the complement: CNGB1 is on the minus strand). VCF-style: chr16-57950450-G-A. GRCh37 (hg19) VCF-style: chr16-57984354-G-A.
Other names: c.947C>T, p.Thr316Ile (NM_001286130.2); short protein forms T322I, T316I.
Identifiers: ClinVar variation 636218 (VCV000636218.8), dbSNP rs757827406, ClinGen allele CA8083609.